The following is an entry in ClinVar:

NM_152564.5(VPS13B):c.5728A>G (p.Ile1910Val)

Gene: VPS13B (vacuolar protein sorting 13 homolog B; plus strand). Cytogenetic location: 8q22.2.
Variant type: single nucleotide variant.
Coding change: c.5728A>G on transcript NM_152564.5 (MANE Select); coding-DNA position 5728, A replaced by G.
Protein change: p.Ile1910Val; replaces isoleucine 1910 with valine.
Molecular consequence: missense variant.
Genome position (GRCh38, 1-based): chr8:99,642,318, A>G. VCF-style: chr8-99642318-A-G. GRCh37 (hg19) VCF-style: chr8-100654546-A-G.
Other names: c.5803A>G (NM_017890.3); c.5803A>G, p.Ile1935Val (NM_017890.5); short protein forms I1935V, I1910V.
Identifiers: ClinVar variation 2083920 (VCV002083920.3), dbSNP rs759925536, ClinGen allele CA4823865.

ClinVar aggregate classification (germline): Uncertain significance. Review status: criteria provided, multiple submitters, no conflicts (2 of 4 stars). 2 submissions from 2 submitters: Uncertain significance (2). Last evaluated 2025-03-18.

Conditions:
Cohen syndrome (COH1). Also called: PEPPER SYNDROME; Cutis verticis gyrata, retinitis pigmentosa, and sensorineural deafness. Identifiers: Orphanet 193, MedGen C0265223, MONDO:0008999, OMIM 216550.

Allele frequency attached by ClinVar (database versions not stated): gnomAD 0.00001; gnomAD exomes 0.00001; ExAC 0.00002; TOPMed 0.00004.
gnomAD v4.1: 18 of 1,614,064 alleles (0.0011%); highest among the groups gnomAD compares: Non-Finnish European, 0.0014%; no homozygotes.

Submissions (2):

Labcorp Genetics (formerly Invitae), Labcorp
Classification: Uncertain significance for Cohen syndrome. Last evaluated: 2025-03-18. Review status: criteria provided, single submitter. Criteria: Invitae Variant Classification Sherloc (09022015). Collection method: clinical testing. Allele origin: germline.
Comment: This sequence change replaces isoleucine, which is neutral and non-polar, with valine, which is neutral and non-polar, at codon 1935 of the VPS13B protein (p.Ile1935Val). This variant is present in population databases (rs759925536, gnomAD 0.003%). This variant has not been reported in the literature in individuals affected with VPS13B-related conditions. ClinVar contains an entry for this variant (Variation ID: 2083920). Invitae Evidence Modeling of protein sequence and biophysical properties (such as structural, functional, and spatial information, amino acid conservation, physicochemical variation, residue mobility, and thermodynamic stability) indicates that this missense variant is not expected to disrupt VPS13B protein function with a negative predictive value of 80%. In summary, the available evidence is currently insufficient to determine the role of this variant in disease. Therefore, it has been classified as a Variant of Uncertain Significance.

GeneDx
Classification: Uncertain significance. Last evaluated: 2022-08-08. Review status: criteria provided, single submitter. Criteria: GeneDx Variant Classification Process June 2021. Collection method: clinical testing. Allele origin: germline. Affected: yes.
Comment: Not observed at significant frequency in large population cohorts (gnomAD); In silico analysis supports that this missense variant does not alter protein structure/function; Has not been previously published as pathogenic or benign to our knowledge